The following is an entry in ClinVar:

NM_032119.4(ADGRV1):c.11636del (p.Leu3879fs)

Gene: ADGRV1 (adhesion G protein-coupled receptor V1; plus strand). Cytogenetic location: 5q14.3.
Variant type: Deletion.
Coding change: c.11636del on transcript NM_032119.4 (MANE Select); coding-DNA position 11636, one base deleted (T; older notation c.11636delT).
Protein change: p.Leu3879fs; shifts the reading frame from leucine 3879.
Molecular consequence: frameshift variant. On other transcripts: non-coding transcript variant (1).
Genome position (GRCh38, 1-based): chr5:90,756,509, T deleted. VCF-style (leftmost placement, unchanged base first): chr5-90756508-CT-C. GRCh37 (hg19) VCF-style: chr5-90052325-CT-C.
Other names: short protein forms L3879fs.
Identifiers: ClinVar variation 4887966 (VCV004887966.1).

ClinVar aggregate classification (germline): Pathogenic (1 of 4 stars; one submission).

Conditions:
Retinal disorder. Also called: Retinopathy; Retinopathies; Retinal Diseases; Retinal disorders. Identifiers: MedGen C0035309, MONDO:0005283, HP:0000488.

Submission:

Genetics Laboratory, Great Ormond Street Hospital NHS Foundation Trust, North Thames Genomic Laboratory Hub
Classification: Pathogenic for Retinal disorders. Last evaluated: 2026-07-05. Review status: criteria provided, single submitter. Criteria: ACGS Best Practice Guidelines for Variant Classification in Rare Disease 2024 v1.2. Collection method: clinical testing. Allele origin: germline. Affected: yes.
Comment: PM2_moderate, PVS1_very-strong